The following is an entry in ClinVar:

NM_006445.4(PRPF8):c.6108A>G (p.Gln2036=)

Gene: PRPF8 (pre-mRNA processing factor 8; minus strand). Cytogenetic location: 17p13.3.
Variant type: single nucleotide variant.
Coding change: c.6108A>G on transcript NM_006445.4 (MANE Select); coding-DNA position 6108, A replaced by G.
Protein change: p.Gln2036=; no amino-acid change (glutamine 2036 retained).
Molecular consequence: synonymous variant.
Genome position (GRCh38, 1-based): chr17:1,653,896, T>C on the plus strand (A>G on the coding strand, the complement: PRPF8 is on the minus strand). VCF-style: chr17-1653896-T-C. GRCh37 (hg19) VCF-style: chr17-1557190-T-C.
Other names: c.6108A>G (NM_006445.3).
Identifiers: ClinVar variation 811808 (VCV000811808.17), dbSNP rs373131838, ClinGen allele CA8271259.

ClinVar aggregate classification (germline): Benign/Likely benign. Review status: criteria provided, multiple submitters, no conflicts (2 of 4 stars). 4 submissions from 4 submitters: Benign (1); Likely benign (3). Last evaluated 2025-10-29.

Conditions:
Retinitis pigmentosa 13 (RP13). Also called: PRPF 8-Related Retinitis Pigmentosa. Identifiers: Orphanet 791, MedGen C1838702, MONDO:0010806, OMIM 600059.
PRPF8-related disorder. Also called: PRPF8-related condition.
Retinal dystrophy. Also called: Inherited retinal dystrophy. Identifiers: Orphanet 71862, MedGen C0854723, MeSH D058499, MONDO:0019118, HP:0000556.

Allele frequency attached by ClinVar (database versions not stated): gnomAD 0.00003 and 0.00004; TOPMed 0.00005; ESP Exome Variant Server 0.00008; gnomAD exomes 0.00008; ExAC 0.00009.
gnomAD v4.1: 57 of 1,614,076 alleles (0.0035%); highest among the groups gnomAD compares: East Asian, 0.047%; no homozygotes.

Submissions (4):

Labcorp Genetics (formerly Invitae), Labcorp
Classification: Likely benign. Last evaluated: 2025-10-29. Review status: criteria provided, single submitter. Criteria: Invitae Variant Classification Sherloc (09022015). Collection method: clinical testing. Allele origin: germline.

PreventionGenetics, part of Exact Sciences
Classification: Likely benign for PRPF8-related condition. Last evaluated: 2025-01-29. Review status: criteria provided, single submitter. Criteria: ACMG Guidelines, 2015. Collection method: clinical testing. Allele origin: germline.
Comment: This variant is classified as likely benign based on ACMG/AMP sequence variant interpretation guidelines (Richards et al. 2015 PMID: 25741868, with internal and published modifications).

Dept Of Ophthalmology, Nagoya University
Classification: Benign for Retinal dystrophy. Last evaluated: 2023-10-01. Review status: criteria provided, single submitter. Criteria: Submitter's publication. Collection method: research. Allele origin: germline. Affected: yes.

ARUP Laboratories, Molecular Genetics and Genomics, ARUP Laboratories
Classification: Likely benign for Retinitis pigmentosa 13. Last evaluated: 2018-09-19. Review status: criteria provided, single submitter. Criteria: ARUP Molecular Germline Variant Investigation Process. Collection method: clinical testing. Allele origin: germline.